The following is an entry in ClinVar:

NM_001365536.1(SCN9A):c.4628T>A (p.Met1543Lys)

Genes: SCN1A-AS1 (SCN1A and SCN9A antisense RNA 1; plus strand), SCN9A (sodium voltage-gated channel alpha subunit 9; minus strand). Cytogenetic location: 2q24.3.
Variant type: single nucleotide variant.
Coding change: c.4628T>A on transcript NM_001365536.1 (MANE Select); coding-DNA position 4628, T replaced by A.
Protein change: p.Met1543Lys; replaces methionine 1543 with lysine.
Molecular consequence: missense variant.
Genome position (GRCh38, 1-based): chr2:166,204,101, A>T on the plus strand (T>A on the coding strand, the complement: SCN9A is on the minus strand). VCF-style: chr2-166204101-A-T. GRCh37 (hg19) VCF-style: chr2-167060611-A-T.
Other names: c.4595T>A, p.Met1532Lys (NM_002977.4); short protein forms M1532K, M1543K.
Identifiers: ClinVar variation 1718079 (VCV001718079.5), dbSNP rs765011717, ClinGen allele CA1943818.

ClinVar aggregate classification (germline): Uncertain significance (1 of 4 stars; one submission).

Conditions:
Generalized epilepsy with febrile seizures plus, type 7 (GEFSP7). Also called: GEFS+, TYPE 7. Identifiers: Orphanet 36387, MedGen C2751778, MONDO:0013470, OMIM 613863.
Neuropathy, hereditary sensory and autonomic, type 2A (HSAN2A). Also called: ACROOSTEOLYSIS, GIACCAI TYPE; ACROOSTEOLYSIS, NEUROGENIC; WNK1-Related HSAN2 (HSAN2A); HSAN IIA; MORVAN DISEASE; NEUROPATHY, CONGENITAL SENSORY. Identifiers: Orphanet 970, MedGen C2752089, MONDO:0024309, OMIM 201300.

Allele frequency attached by ClinVar (database versions not stated): gnomAD exomes below 0.00001; ExAC 0.00001.

Submission:

Labcorp Genetics (formerly Invitae), Labcorp
Classification: Uncertain significance for Neuropathy, hereditary sensory and autonomic, type 2A; Generalized epilepsy with febrile seizures plus, type 7. Last evaluated: 2022-08-26. Review status: criteria provided, single submitter. Criteria: Invitae Variant Classification Sherloc (09022015). Collection method: clinical testing. Allele origin: germline.
Comment: This sequence change replaces methionine, which is neutral and non-polar, with lysine, which is basic and polar, at codon 1532 of the SCN9A protein (p.Met1532Lys). In summary, the available evidence is currently insufficient to determine the role of this variant in disease. Therefore, it has been classified as a Variant of Uncertain Significance. Algorithms developed to predict the effect of missense changes on protein structure and function are either unavailable or do not agree on the potential impact of this missense change (SIFT: "Deleterious"; PolyPhen-2: "Benign"; Align-GVGD: "Class C25"). This variant has not been reported in the literature in individuals affected with SCN9A-related conditions. This variant is present in population databases (rs765011717, gnomAD 0.0009%).